The following is an entry in ClinVar:

ClinVar aggregate classification (germline): Uncertain significance (1 of 4 stars; one submission).

gnomAD v4.1: 5 of 1,614,160 alleles (0.00031%); highest among the groups gnomAD compares: East Asian, 0.0022%; no homozygotes.

Submission:

GeneDx
Classification: Uncertain significance. Last evaluated: 2023-07-12. Review status: criteria provided, single submitter. Criteria: GeneDx Variant Classification Process June 2021. Collection method: clinical testing. Allele origin: germline. Affected: yes.
Comment: Not observed at significant frequency in large population cohorts (gnomAD); In silico analysis supports that this missense variant has a deleterious effect on protein structure/function; Has not been previously published as pathogenic or benign to our knowledge

NM_001286577.2(C2CD3):c.4325A>G (p.Tyr1442Cys)

Gene: C2CD3 (C2 domain containing 3 centriole elongation regulator; minus strand). Cytogenetic location: 11q13.4.
Variant type: single nucleotide variant.
Coding change: c.4325A>G on transcript NM_001286577.2 (MANE Select); coding-DNA position 4325, A replaced by G.
Protein change: p.Tyr1442Cys; replaces tyrosine 1442 with cysteine.
Molecular consequence: missense variant.
Genome position (GRCh38, 1-based): chr11:74,078,393, T>C on the plus strand (A>G on the coding strand, the complement: C2CD3 is on the minus strand). VCF-style: chr11-74078393-T-C. GRCh37 (hg19) VCF-style: chr11-73789438-T-C.
Other names: c.4325A>G, p.Tyr1442Cys (NM_015531.6); short protein forms Y1442C.
Identifiers: ClinVar variation 3360764 (VCV003360764.1).